The following is an entry in ClinVar:

NM_006206.6(PDGFRA):c.1116A>T (p.Glu372Asp)

Gene: PDGFRA (platelet derived growth factor receptor alpha; plus strand). Cytogenetic location: 4q12.
Variant type: single nucleotide variant.
Coding change: c.1116A>T on transcript NM_006206.6 (MANE Select); coding-DNA position 1116, A replaced by T.
Protein change: p.Glu372Asp; replaces glutamic acid 372 with aspartic acid.
Molecular consequence: missense variant.
Genome position (GRCh38, 1-based): chr4:54,267,736, A>T. VCF-style: chr4-54267736-A-T. GRCh37 (hg19) VCF-style: chr4-55133903-A-T.
Other names: c.1116A>T, p.Glu372Asp (NM_001347827.2, NM_001347829.2); c.1191A>T, p.Glu397Asp (NM_001347828.2); c.1155A>T, p.Glu385Asp (NM_001347830.2); short protein forms E397D, E372D, E385D.
Identifiers: ClinVar variation 2817491 (VCV002817491.3), dbSNP rs2475456789, ClinGen allele CA356891837.

ClinVar aggregate classification (germline): Uncertain significance (1 of 4 stars; one submission).

Conditions:
Gastrointestinal stromal tumor. Also called: Gastrointestinal stromal tumor, somatic; Gastrointestinal stroma tumor. Identifiers: Orphanet 44890, MedGen C0238198, MeSH D046152, MONDO:0011719, OMIM 606764, HP:0100723.

Submission:

Labcorp Genetics (formerly Invitae), Labcorp
Classification: Uncertain significance for Gastrointestinal stromal tumor. Last evaluated: 2022-11-29. Review status: criteria provided, single submitter. Criteria: Invitae Variant Classification Sherloc (09022015). Collection method: clinical testing. Allele origin: germline.
Comment: This sequence change replaces glutamic acid, which is acidic and polar, with aspartic acid, which is acidic and polar, at codon 372 of the PDGFRA protein (p.Glu372Asp). In summary, the available evidence is currently insufficient to determine the role of this variant in disease. Therefore, it has been classified as a Variant of Uncertain Significance. Advanced modeling of protein sequence and biophysical properties (such as structural, functional, and spatial information, amino acid conservation, physicochemical variation, residue mobility, and thermodynamic stability) performed at Invitae indicates that this missense variant is not expected to disrupt PDGFRA protein function. This variant has not been reported in the literature in individuals affected with PDGFRA-related conditions. This variant is not present in population databases (gnomAD no frequency).